The following is an entry in ClinVar:

NM_001130009.3(GEN1):c.2341G>A (p.Val781Ile)

Gene: GEN1 (GEN1 structure-specific endonuclease; plus strand). Cytogenetic location: 2p24.2.
Variant type: single nucleotide variant.
Coding change: c.2341G>A on transcript NM_001130009.3 (MANE Select); coding-DNA position 2341, G replaced by A.
Protein change: p.Val781Ile; replaces valine 781 with isoleucine.
Molecular consequence: missense variant.
Genome position (GRCh38, 1-based): chr2:17,781,553, G>A. VCF-style: chr2-17781553-G-A. GRCh37 (hg19) VCF-style: chr2-17962820-G-A.
Other names: c.2341G>A, p.Val781Ile (NM_182625.5); short protein forms V781I.
Identifiers: ClinVar variation 3612255 (VCV003612255.2).

ClinVar aggregate classification (germline): Uncertain significance (1 of 4 stars; one submission).

Submission:

Labcorp Genetics (formerly Invitae), Labcorp
Classification: Uncertain significance. Last evaluated: 2024-07-26. Review status: criteria provided, single submitter. Criteria: Invitae Variant Classification Sherloc (09022015). Collection method: clinical testing. Allele origin: germline.
Comment: This sequence change replaces valine, which is neutral and non-polar, with isoleucine, which is neutral and non-polar, at codon 781 of the GEN1 protein (p.Val781Ile). This variant is not present in population databases (gnomAD no frequency). This variant has not been reported in the literature in individuals affected with GEN1-related conditions. An algorithm developed to predict the effect of missense changes on protein structure and function outputs the following: PolyPhen-2: "Benign". The isoleucine amino acid residue is found in multiple mammalian species, which suggests that this missense change does not adversely affect protein function. In summary, the available evidence is currently insufficient to determine the role of this variant in disease. Therefore, it has been classified as a Variant of Uncertain Significance.